The following is an entry in ClinVar:

ClinVar aggregate classification (germline): Conflicting classifications of pathogenicity. Review status: criteria provided, conflicting classifications (1 of 4 stars). 5 submissions from 5 submitters: Uncertain significance (3); Likely benign (1). 1 of the submissions does not count toward it. Last evaluated 2025-06-24.

Conditions:
Hereditary breast ovarian cancer syndrome. Also called: Hereditary breast and ovarian cancer syndrome (HBOC); Hereditary breast and ovarian cancer syndrome; Breast and ovarian cancer; Hereditary breast and/or ovarian cancer syndrome; Hereditary breast and ovarian cancer; BRCA1- and BRCA2-Associated Hereditary Breast and Ovarian Cancer. Identifiers: Orphanet 145, MedGen C0677776, MeSH D061325, MONDO:0003582. Disease mechanism: loss of function.
Hereditary cancer-predisposing syndrome. Also called: Neoplastic Syndromes, Hereditary; Hereditary Cancer Syndrome; Hereditary neoplastic syndrome; Tumor predisposition. Identifiers: Orphanet 140162, MedGen C0027672, MeSH D009386, MONDO:0015356.

Submissions (5):

Color Diagnostics, LLC DBA Color Health
Classification: Uncertain significance for Hereditary cancer-predisposing syndrome. Last evaluated: 2025-06-24. Review status: criteria provided, single submitter. Criteria: ACMG Guidelines, 2015. Collection method: clinical testing. Allele origin: germline.
Comment: This missense variant replaces lysine with methionine at codon 1207 of the BRCA1 protein. Computational prediction suggests that this variant may not impact protein structure and function. To our knowledge, functional studies have not been reported for this variant. This variant has been reported in an unaffected individual from a family with history of breast and/or ovarian cancer (PMID: 32885271). This variant has not been identified in the general population by the Genome Aggregation Database (gnomAD). The available evidence is insufficient to determine the role of this variant in disease conclusively. Therefore, this variant is classified as a Variant of Uncertain Significance.

Ambry Genetics
Classification: Uncertain significance for Hereditary cancer-predisposing syndrome. Last evaluated: 2024-04-23. Review status: criteria provided, single submitter. Criteria: Ambry Variant Classification Scheme 2023. Collection method: clinical testing. Allele origin: germline.
Comment: The p.K1207M variant (also known as c.3620A>T), located in coding exon 9 of the BRCA1 gene, results from an A to T substitution at nucleotide position 3620. The lysine at codon 1207 is replaced by methionine, an amino acid with similar properties. This amino acid position is poorly conserved in available vertebrate species. In addition, this alteration is predicted to be tolerated by in silico analysis. Based on the available evidence, the clinical significance of this variant remains unclear.

University of Washington Department of Laboratory Medicine, University of Washington
Classification: Likely benign for Hereditary cancer-predisposing syndrome. Last evaluated: 2023-03-23. Review status: criteria provided, single submitter. Criteria: Dines et al. (Genet Med. 2020). Collection method: curation. Allele origin: germline.
Comment: Missense variant in a coldspot region where missense variants are very unlikely to be pathogenic (PMID:31911673).

BRCA1 coldspot (exon 11 using historical exon numbering). Reclassification based on statistical prior probability

Labcorp Genetics (formerly Invitae), Labcorp
Classification: Uncertain significance for Hereditary breast ovarian cancer syndrome. Last evaluated: 2022-09-20. Review status: criteria provided, single submitter. Criteria: Invitae Variant Classification Sherloc (09022015). Collection method: clinical testing. Allele origin: germline.
Comment: Advanced modeling of protein sequence and biophysical properties (such as structural, functional, and spatial information, amino acid conservation, physicochemical variation, residue mobility, and thermodynamic stability) performed at Invitae indicates that this missense variant is not expected to disrupt BRCA1 protein function. In summary, the available evidence is currently insufficient to determine the role of this variant in disease. Therefore, it has been classified as a Variant of Uncertain Significance. This sequence change replaces lysine, which is basic and polar, with methionine, which is neutral and non-polar, at codon 1207 of the BRCA1 protein (p.Lys1207Met). This variant is not present in population databases (gnomAD no frequency). This variant has not been reported in the literature in individuals affected with BRCA1-related conditions. ClinVar contains an entry for this variant (Variation ID: 462616).

Department of Pathology and Laboratory Medicine, Sinai Health System
Classification: Uncertain significance. Review status: no assertion criteria provided. Collection method: clinical testing. Allele origin: unknown. Affected: yes. Study: The Canadian Open Genetics Repository (COGR). Not counted in ClinVar's aggregate classification.
Comment: The BRCA1 p.Lys1207Met variant was not identified in the literature nor was it identified in dbSNP, GeneInsight-COGR, Cosmic, MutDB, LOVD 3.0, UMD-LSDB, BIC Database, ARUP Laboratories, or Zhejiang University Database. The variant was identified in ClinVar (classified as uncertain significance by Invitae). The variant was not identified in the following control databases: the 1000 Genomes Project, the NHLBI GO Exome Sequencing Project, the Exome Aggregation Consortium (August 8th 2016), or the Genome Aggregation Database (Feb 27, 2017). The p.Lys1207 residue is not conserved in mammals and computational analyses (PolyPhen-2, SIFT, AlignGVGD, BLOSUM, MutationTaster) provide inconsistent predictions regarding the impact to the protein; this information is not very predictive of pathogenicity. The variant occurs outside of the splicing consensus sequence and in silico or computational prediction software programs (SpliceSiteFinder, MaxEntScan, NNSPLICE, GeneSplicer) do not predict a difference in splicing. In summary, based on the above information, the clinical significance of this variant cannot be determined with certainty at this time. This variant is classified as a variant of uncertain significance.

Literature cited by the submitters: PubMed 32885271 (cited by Color Diagnostics, LLC DBA Color Health).

NM_007294.4(BRCA1):c.3620A>T (p.Lys1207Met)

Genes: BRCA1 (BRCA1 DNA repair associated; minus strand), LOC126862571 (BRD4-independent group 4 enhancer GRCh37_chr17:41243136-41244335; plus strand). Cytogenetic location: 17q21.31.
Variant type: single nucleotide variant.
Coding change: c.3620A>T on transcript NM_007294.4 (MANE Select); coding-DNA position 3620, A replaced by T.
Protein change: p.Lys1207Met; replaces lysine 1207 with methionine.
Molecular consequence: missense variant. On other transcripts: intron variant (135).
Genome position (GRCh38, 1-based): chr17:43,091,911, T>A on the plus strand (A>T on the coding strand, the complement: BRCA1 is on the minus strand). VCF-style: chr17-43091911-T-A. GRCh37 (hg19) VCF-style: chr17-41243928-T-A.
Other names: c.3617A>T, p.Lys1206Met (NM_001407632.1, NM_001407633.1, NM_001407634.1 and 22 more transcripts); c.3620A>T, p.Lys1207Met (NM_001407639.1, NM_001407640.1, NM_001407641.1 and 30 more transcripts); c.3611A>T, p.Lys1204Met (NM_001407646.1, NM_001407647.1); c.3497A>T, p.Lys1166Met (NM_001407648.1, NM_001407664.1, NM_001407665.1 and 19 more transcripts); c.3494A>T, p.Lys1165Met (NM_001407649.1, NM_001407670.1, NM_001407671.1 and 11 more transcripts); c.3542A>T, p.Lys1181Met (NM_001407653.1, NM_001407654.1, NM_001407655.1 and 4 more transcripts); c.3539A>T, p.Lys1180Met (NM_001407659.1, NM_001407660.1, NM_001407661.1 and 1 more transcripts); c.3479A>T, p.Lys1160Met (NM_001407692.1, NM_001407694.1, NM_001407695.1 and 29 more transcripts); and 41 more; short protein forms K1207M, K1160M, K1080M, K1137M, K1140M, K1181M, K1206M, K1039M.
Identifiers: ClinVar variation 462616 (VCV000462616.15), dbSNP rs1555587402, ClinGen allele CA10594729.
Genomic context (GRCh38, chr17:43,091,911, plus strand): 5'-TGGAAGCAGGGAAGCTCTTCATCCTCACTAGATAAGTTCTCTTCTGAGGACTCTAATTTC[T>A]TGGCCCCTCTTCGGTAACCCTGAGCCAAATGTGTATGGGTGAAAGGGCTAGGACTCCTGC-3'
Protein context (NP_009225.1, residues 1197-1217): HLAQGYRRGA[Lys1207Met]KLESSEENLS